The following is an entry in ClinVar:

ClinVar aggregate classification (germline): Pathogenic/Likely pathogenic. Review status: criteria provided, multiple submitters, no conflicts (2 of 4 stars). 2 submissions from 2 submitters: Pathogenic (1); Likely pathogenic (1). Last evaluated 2026-09-23.

Conditions:
Myeloproliferative neoplasm. Identifiers: Orphanet 98274, MedGen C1292778, MONDO:0020076.

Submissions (2):

Dept of Medical Biology, Uskudar University
Classification: Likely pathogenic for Myeloproliferative neoplasm. Last evaluated: 2026-09-23. Review status: criteria provided, single submitter. Criteria: Dept of Medical Biology Variant Classification. Collection method: research. Allele origin: unknown. Affected: yes. Observed: 1 variant allele.
Comment: PVS1_strong: frameshift in the last exon (exon 13), predicted to escape nonsense-mediated decay but to truncate the protein upstream of the carboxy-terminal PHD domain (PMID:30192042). PM2_supporting: absent from gnomAD v4.1. PM1_supporting: located in the exon 13 region in which truncating ASXL1 mutations cluster in myeloid neoplasms (PMID:19609284). Classified as likely pathogenic under the ACMG/AMP 2015 guidelines (PMID:25741868). Detected in a retrospective series of 256 BCR::ABL1-negative and JAK2 V617F-negative patients referred for molecular investigation of a suspected myeloproliferative neoplasm (May 2007 to January 2015) and re-interpreted under the ACMG/AMP 2015 criteria.

Centre for Clinical Genetics and Genomic Diagnostics, Zealand University Hospital
Classification: Pathogenic. Last evaluated: 2024-03-15. Review status: criteria provided, single submitter. Criteria: ACMG Guidelines, 2015. Collection method: clinical testing. Allele origin: somatic. Affected: yes.

Literature cited by the submitters: PubMed 19609284 (cited by Dept of Medical Biology, Uskudar University).

NM_015338.6(ASXL1):c.2250del (p.Val751fs)

Gene: ASXL1 (ASXL transcriptional regulator 1; plus strand). Cytogenetic location: 20q11.21.
Variant type: Deletion.
Coding change: c.2250del on transcript NM_015338.6 (MANE Select); coding-DNA position 2250, one base deleted (C; older notation c.2250delC).
Protein change: p.Val751fs; shifts the reading frame from valine 751.
Molecular consequence: frameshift variant.
Genome position (GRCh38, 1-based): chr20:32,434,962, C deleted; the last of 4 consecutive C bases (chr20:32,434,959-32,434,962); deleting any one gives the same sequence. VCF-style (leftmost placement, unchanged base first): chr20-32434958-TC-T. GRCh37 (hg19) VCF-style: chr20-31022761-TC-T.
Other names: c.2067del, p.Val690fs (NM_001363734.1); short protein forms V690fs, V751fs.
Identifiers: ClinVar variation 3341111 (VCV003341111.2).